The following is an entry in ClinVar:

ClinVar aggregate classification (germline): Pathogenic. Review status: criteria provided, multiple submitters, no conflicts (2 of 4 stars). 3 submissions from 3 submitters: Pathogenic (3). Last evaluated 2026-04-22.

Conditions:
Hereditary cancer-predisposing syndrome. Also called: Neoplastic Syndromes, Hereditary; Tumor predisposition; Hereditary neoplastic syndrome; Hereditary Cancer Syndrome. Identifiers: Orphanet 140162, MedGen C0027672, MeSH D009386, MONDO:0015356.
Bloom syndrome (BLM). Also called: Bloom-Torre-Machacek syndrome. Identifiers: Orphanet 125, MedGen C0005859, MONDO:0008876, OMIM 210900.

Submissions (3):

Myriad Genetics, Inc.
Classification: Pathogenic for Bloom syndrome. Last evaluated: 2026-04-22. Review status: criteria provided, single submitter. Criteria: Myriad Autosomal Dominant, Autosomal Recessive and X-Linked Classification Criteria (2023). Collection method: clinical testing. Allele origin: unknown.
Comment: This variant is considered pathogenic. This variant creates a termination codon and is predicted to result in premature protein truncation.

Labcorp Genetics (formerly Invitae), Labcorp
Classification: Pathogenic for Bloom syndrome. Last evaluated: 2024-10-08. Review status: criteria provided, single submitter. Criteria: Invitae Variant Classification Sherloc (09022015). Collection method: clinical testing. Allele origin: germline.
Comment: This sequence change creates a premature translational stop signal (p.Tyr1170*) in the BLM gene. It is expected to result in an absent or disrupted protein product. Loss-of-function variants in BLM are known to be pathogenic (PMID: 17407155). This variant is not present in population databases (gnomAD no frequency). This premature translational stop signal has been observed in individual(s) with Bloom syndrome (PMID: 17407155). ClinVar contains an entry for this variant (Variation ID: 1732159). For these reasons, this variant has been classified as Pathogenic.

Ambry Genetics
Classification: Pathogenic for Hereditary cancer-predisposing syndrome. Last evaluated: 2019-12-19. Review status: criteria provided, single submitter. Criteria: Ambry Variant Classification Scheme 2023. Collection method: clinical testing. Allele origin: germline.
Comment: The p.Y1170* pathogenic mutation (also known as c.3510T>A), located in coding exon 17 of the BLM gene, results from a T to A substitution at nucleotide position 3510. This changes the amino acid from a tyrosine to a stop codon within coding exon 17. This alteration has been detected in the compound heterozygous state in an individual affected with Bloom syndrome (German J et al. Hum. Mutat., 2007 Aug;28:743-53). In addition to the clinical data presented in the literature, this alteration is expected to result in loss of function by premature protein truncation or nonsense-mediated mRNA decay. As such, this alteration is interpreted as a disease-causing mutation.

Literature cited by the submitters: PubMed 17407155 (cited by Labcorp Genetics (formerly Invitae), Labcorp and Ambry Genetics).

NM_000057.4(BLM):c.3510T>A (p.Tyr1170Ter)

Gene: BLM (BLM RecQ like helicase; plus strand). Cytogenetic location: 15q26.1.
Variant type: single nucleotide variant.
Coding change: c.3510T>A on transcript NM_000057.4 (MANE Select); coding-DNA position 3510, T replaced by A.
Protein change: p.Tyr1170Ter; replaces tyrosine 1170 with a stop codon.
Molecular consequence: nonsense. On other transcripts: intron variant (1).
Genome position (GRCh38, 1-based): chr15:90,803,672, T>A. VCF-style: chr15-90803672-T-A. GRCh37 (hg19) VCF-style: chr15-91346902-T-A.
Other names: c.3510T>A, p.Tyr1170Ter (NM_001287246.2); c.2385T>A, p.Tyr795Ter (NM_001287248.2); c.3358+5335T>A (NM_001287247.2); short protein forms Y1170*, Y795*.
Identifiers: ClinVar variation 1732159 (VCV001732159.8), dbSNP rs771325448, ClinGen allele CA393847758.
Genomic context (GRCh38, chr15:90,803,672, plus strand): 5'-ACTTGACAAGATTTTGGATGAAGACTTATATATCAATGCCAATGACCAGGCGATCGCTTA[T>A]GTGATGCTCGGAAATAAAGCCCAAACTGTACTAAATGGCAATTTAAAGGTATAGTATTTT-3'